The following is an entry in ClinVar:

NM_020207.7(ERCC6L2):c.2857A>G (p.Asn953Asp)

Gene: ERCC6L2 (ERCC excision repair 6 like 2; plus strand). Cytogenetic location: 9q22.32.
Variant type: single nucleotide variant.
Coding change: c.2857A>G on transcript NM_020207.7 (MANE Select); coding-DNA position 2857, A replaced by G.
Protein change: p.Asn953Asp; replaces asparagine 953 with aspartic acid.
Molecular consequence: missense variant. On other transcripts: non-coding transcript variant (1).
Genome position (GRCh38, 1-based): chr9:95,972,608, A>G. VCF-style: chr9-95972608-A-G. GRCh37 (hg19) VCF-style: chr9-98734890-A-G.
Other names: c.2857A>G, p.Asn953Asp (NM_001375291.1, NM_001375292.1, NM_001375293.1 and 1 more transcripts); short protein forms N953D.
Identifiers: ClinVar variation 1948707 (VCV001948707.2), dbSNP rs553572474, ClinGen allele CA196597645.
Genomic context (GRCh38, chr9:95,972,608, plus strand): 5'-ACAGAACACACTGTAAAAACAAGAAATAATGATAATAGTCGAAACACTGATGACAAAAGA[A>G]ATGGAATAATTTCAAAAAAGTTAAGTCCTGAGAACACAACCCTGAAATCTATTTTGAAAA-3'
Protein context (NP_064592.3, residues 943-963): DNSRNTDDKR[Asn953Asp]GIISKKLSPE

ClinVar aggregate classification (germline): Uncertain significance (1 of 4 stars; one submission).

Allele frequency attached by ClinVar (database versions not stated): gnomAD 0.00001; gnomAD exomes 0.00003; TOPMed 0.00003.
gnomAD v4.1: 34 of 1,289,748 alleles (0.0026%); highest among the groups gnomAD compares: Non-Finnish European, 0.0033%; no homozygotes.

Submission:

Labcorp Genetics (formerly Invitae), Labcorp
Classification: Uncertain significance. Last evaluated: 2022-05-19. Review status: criteria provided, single submitter. Criteria: Invitae Variant Classification Sherloc (09022015). Collection method: clinical testing. Allele origin: germline.
Comment: This sequence change replaces asparagine, which is neutral and polar, with aspartic acid, which is acidic and polar, at codon 964 of the ERCC6L2 protein (p.Asn964Asp). This variant is present in population databases (rs553572474, gnomAD 0.004%). This variant has not been reported in the literature in individuals affected with ERCC6L2-related conditions. Algorithms developed to predict the effect of missense changes on protein structure and function are either unavailable or do not agree on the potential impact of this missense change (SIFT: "Tolerated"; PolyPhen-2: "Not Available"; Align-GVGD: "Class C0"). In summary, the available evidence is currently insufficient to determine the role of this variant in disease. Therefore, it has been classified as a Variant of Uncertain Significance.